The following is an entry in ClinVar:

NM_032608.7(MYO18B):c.1990G>A (p.Ala664Thr)

Gene: MYO18B (myosin XVIIIB; plus strand). Cytogenetic location: 22q12.1.
Variant type: single nucleotide variant.
Coding change: c.1990G>A on transcript NM_032608.7 (MANE Select); coding-DNA position 1990, G replaced by A.
Protein change: p.Ala664Thr; replaces alanine 664 with threonine.
Molecular consequence: missense variant.
Genome position (GRCh38, 1-based): chr22:25,777,703, G>A. VCF-style: chr22-25777703-G-A. GRCh37 (hg19) VCF-style: chr22-26173670-G-A.
Other names: c.1990G>A, p.Ala664Thr (NM_001318245.2); short protein forms A664T.
Identifiers: ClinVar variation 2068263 (VCV002068263.3), dbSNP rs547076224, ClinGen allele CA10160025.

ClinVar aggregate classification (germline): Uncertain significance. Review status: criteria provided, multiple submitters, no conflicts (2 of 4 stars). 3 submissions from 3 submitters: Uncertain significance (3). Last evaluated 2024-02-29.

Conditions:
Inborn genetic diseases. Identifiers: MedGen C0950123, MeSH D030342.

Allele frequency attached by ClinVar (database versions not stated): TOPMed 0.00003; gnomAD 0.00005; ExAC 0.00014; 1000 Genomes Project 30x 0.00016; 1000 Genomes Project 0.00020.
gnomAD v4.1: 130 of 1,612,698 alleles (0.0081%); highest among the groups gnomAD compares: South Asian, 0.092%; 1 homozygote.

Submissions (3):

GeneDx
Classification: Uncertain significance. Last evaluated: 2024-02-29. Review status: criteria provided, single submitter. Criteria: GeneDx Variant Classification Process June 2021. Collection method: clinical testing. Allele origin: germline. Affected: yes.
Comment: In silico analysis supports that this missense variant does not alter protein structure/function; Has not been previously published as pathogenic or benign to our knowledge

Ambry Genetics
Classification: Uncertain significance for Inborn genetic diseases. Last evaluated: 2022-05-30. Review status: criteria provided, single submitter. Criteria: Ambry Variant Classification Scheme 2023. Collection method: clinical testing. Allele origin: germline.

Labcorp Genetics (formerly Invitae), Labcorp
Classification: Uncertain significance. Last evaluated: 2022-05-04. Review status: criteria provided, single submitter. Criteria: Invitae Variant Classification Sherloc (09022015). Collection method: clinical testing. Allele origin: germline.
Comment: This sequence change replaces alanine, which is neutral and non-polar, with threonine, which is neutral and polar, at codon 664 of the MYO18B protein (p.Ala664Thr). This variant is present in population databases (rs547076224, gnomAD 0.1%). This variant has not been reported in the literature in individuals affected with MYO18B-related conditions. Algorithms developed to predict the effect of missense changes on protein structure and function are either unavailable or do not agree on the potential impact of this missense change (SIFT: "Not Available"; PolyPhen-2: "Benign"; Align-GVGD: "Not Available"). In summary, the available evidence is currently insufficient to determine the role of this variant in disease. Therefore, it has been classified as a Variant of Uncertain Significance.